The following is an entry in ClinVar:

ClinVar aggregate classification (germline): Uncertain significance (1 of 4 stars; one submission).

Submission:

Labcorp Genetics (formerly Invitae), Labcorp
Classification: Uncertain significance. Last evaluated: 2025-06-12. Review status: criteria provided, single submitter. Criteria: Invitae Variant Classification Sherloc (09022015). Collection method: clinical testing. Allele origin: germline.
Comment: This sequence change replaces threonine, which is neutral and polar, with lysine, which is basic and polar, at codon 82 of the TBX18 protein (p.Thr82Lys). The frequency data for this variant in the population databases is considered unreliable, as metrics indicate poor data quality at this position in the gnomAD database. This variant has not been reported in the literature in individuals affected with TBX18-related conditions. ClinVar contains an entry for this variant (Variation ID: 3611923). An algorithm developed to predict the effect of missense changes on protein structure and function (PolyPhen-2) suggests that this variant is likely to be tolerated. In summary, the available evidence is currently insufficient to determine the role of this variant in disease. Therefore, it has been classified as a Variant of Uncertain Significance.

NM_001080508.3(TBX18):c.245C>A (p.Thr82Lys)

Gene: TBX18 (T-box transcription factor 18; minus strand). Cytogenetic location: 6q14.3.
Variant type: single nucleotide variant.
Coding change: c.245C>A on transcript NM_001080508.3 (MANE Select); coding-DNA position 245, C replaced by A.
Protein change: p.Thr82Lys; replaces threonine 82 with lysine.
Molecular consequence: missense variant.
Genome position (GRCh38, 1-based): chr6:84,763,937, G>T on the plus strand (C>A on the coding strand, the complement: TBX18 is on the minus strand). VCF-style: chr6-84763937-G-T. GRCh37 (hg19) VCF-style: chr6-85473655-G-T.
Other names: short protein forms T82K.
Identifiers: ClinVar variation 3611923 (VCV003611923.2).